The following is an entry in ClinVar:

ClinVar aggregate classification (germline): Uncertain significance (1 of 4 stars; one submission).

Conditions:
Hereditary cancer-predisposing syndrome. Also called: Hereditary neoplastic syndrome; Neoplastic Syndromes, Hereditary; Tumor predisposition; Hereditary Cancer Syndrome. Identifiers: Orphanet 140162, MedGen C0027672, MeSH D009386, MONDO:0015356.

gnomAD v4.1: 1 of 1,613,432 alleles (0.000062%); highest among the groups gnomAD compares: African/African-American, 0.0013%; no homozygotes.

Submission:

Ambry Genetics
Classification: Uncertain significance for Hereditary cancer-predisposing syndrome. Last evaluated: 2025-07-15. Review status: criteria provided, single submitter. Criteria: Ambry Variant Classification Scheme 2023. Collection method: clinical testing. Allele origin: germline.
Comment: The p.R1214L variant (also known as c.3641G>T), located in coding exon 23 of the ALK gene, results from a G to T substitution at nucleotide position 3641. The arginine at codon 1214 is replaced by leucine, an amino acid with dissimilar properties. This amino acid position is conserved. In addition, the in silico prediction for this alteration is inconclusive. Based on the available evidence, the clinical significance of this variant remains unclear.

NM_004304.5(ALK):c.3641G>T (p.Arg1214Leu)

Gene: ALK (ALK receptor tyrosine kinase; minus strand). Cytogenetic location: 2p23.2.
Variant type: single nucleotide variant.
Coding change: c.3641G>T on transcript NM_004304.5 (MANE Select); coding-DNA position 3641, G replaced by T.
Protein change: p.Arg1214Leu; replaces arginine 1214 with leucine.
Molecular consequence: missense variant.
Genome position (GRCh38, 1-based): chr2:29,220,710, C>A on the plus strand (G>T on the coding strand, the complement: ALK is on the minus strand). VCF-style: chr2-29220710-C-A. GRCh37 (hg19) VCF-style: chr2-29443576-C-A.
Other names: c.437G>T, p.Arg146Leu (NM_001353765.2); short protein forms R1214L, R146L.
Identifiers: ClinVar variation 3856253 (VCV003856253.2).